The following is an entry in ClinVar:

ClinVar aggregate classification (germline): Pathogenic (1 of 4 stars; one submission).

Conditions:
Congenital myasthenic syndrome 4A. Also called: CONGENITAL MYASTHENIC SYNDROME TYPE Ia1; MYASTHENIC SYNDROME, CONGENITAL, 4A, SLOW-CHANNEL, AUTOSOMAL RECESSIVE; Myasthenic syndrome, congenital, 4a, slow-channel. Identifiers: Orphanet 590, MedGen C4225413, MONDO:0011600, OMIM 605809.

Submission:

Labcorp Genetics (formerly Invitae), Labcorp
Classification: Pathogenic for Congenital myasthenic syndrome 4A. Last evaluated: 2021-03-01. Review status: criteria provided, single submitter. Criteria: Invitae Variant Classification Sherloc (09022015). Collection method: clinical testing. Allele origin: germline.
Comment: This sequence change creates a premature translational stop signal (p.Met338Cysfs*47) in the CHRNE gene. It is expected to result in an absent or disrupted protein product. Loss-of-function variants in CHRNE are known to be pathogenic (PMID: 22678886). This variant is not present in population databases (ExAC no frequency). This variant has not been reported in the literature in individuals with CHRNE-related conditions. For these reasons, this variant has been classified as Pathogenic.

Literature cited by the submitters: PubMed 22678886.

NM_000080.4(CHRNE):c.1012del (p.Met338fs)

Gene: CHRNE (cholinergic receptor nicotinic epsilon subunit; minus strand). Cytogenetic location: 17p13.2.
Variant type: Deletion.
Coding change: c.1012del on transcript NM_000080.4 (MANE Select); coding-DNA position 1012, one base deleted (A; older notation c.1012delA).
Protein change: p.Met338fs; shifts the reading frame from methionine 338.
Molecular consequence: frameshift variant.
Genome position (GRCh38, 1-based): chr17:4,899,488, T deleted on the plus strand (A on the coding strand, the reverse complement: CHRNE is on the minus strand). VCF-style (leftmost placement, unchanged base first): chr17-4899487-AT-A. GRCh37 (hg19) VCF-style: chr17-4802782-AT-A.
Other names: short protein forms M338fs.
Identifiers: ClinVar variation 1399255 (VCV001399255.6), dbSNP rs2151095155, ClinGen allele CA2573152985.
Genomic context (GRCh38, chr17:4,899,487, plus strand): 5'-CCCCACCCCGACCCGGGCTGCACCGCCCCCTCCGCGCTTACGTGGCGCAGCCGCGGGGAC[AT>A]GGCGTGGGTGGTGGGCGTCCGCTGGGACACGTTGAGCACGATGACGCAATTCATGACAAT-3'